The following is an entry in ClinVar:

NM_001009944.3(PKD1):c.5576C>T (p.Ala1859Val)

Gene: PKD1 (polycystin 1, transient receptor potential channel interacting; minus strand). Cytogenetic location: 16p13.3.
Variant type: single nucleotide variant.
Coding change: c.5576C>T on transcript NM_001009944.3 (MANE Select); coding-DNA position 5576, C replaced by T.
Protein change: p.Ala1859Val; replaces alanine 1859 with valine.
Molecular consequence: missense variant.
Genome position (GRCh38, 1-based): chr16:2,109,591, G>A on the plus strand (C>T on the coding strand, the complement: PKD1 is on the minus strand). VCF-style: chr16-2109591-G-A. GRCh37 (hg19) VCF-style: chr16-2159592-G-A.
Other names: c.5576C>T, p.Ala1859Val (NM_000296.4); c.5576C>T (NM_000296.3); short protein forms A1859V.
Identifiers: ClinVar variation 1312912 (VCV001312912.3), dbSNP rs767312175, ClinGen allele CA394376293.

ClinVar aggregate classification (germline): Uncertain significance. Review status: criteria provided, multiple submitters, no conflicts (2 of 4 stars). 2 submissions from 2 submitters: Uncertain significance (2). Last evaluated 2025-06-26.

Conditions:
Inborn genetic diseases. Identifiers: MedGen C0950123, MeSH D030342.

Allele frequency attached by ClinVar (database versions not stated): gnomAD exomes below 0.00001.
gnomAD v4.1: 4 of 1,611,180 alleles (0.00025%); highest among the groups gnomAD compares: Non-Finnish European, 0.00034%; no homozygotes.

Submissions (2):

Ambry Genetics
Classification: Uncertain significance for Inborn genetic diseases. Last evaluated: 2025-06-26. Review status: criteria provided, single submitter. Criteria: Ambry Variant Classification Scheme 2023. Collection method: clinical testing. Allele origin: germline.

GeneDx
Classification: Uncertain significance. Last evaluated: 2020-07-21. Review status: criteria provided, single submitter. Criteria: GeneDx Variant Classification Process June 2021. Collection method: clinical testing. Allele origin: germline. Affected: yes.
Comment: Not observed at a significant frequency in large population cohorts (Lek et al., 2016); In silico analysis supports that this missense variant does not alter protein structure/function; Has not been previously published as pathogenic or benign to our knowledge